The following is an entry in ClinVar:

ClinVar aggregate classification (germline): Benign. Review status: criteria provided, multiple submitters, no conflicts (2 of 4 stars). 9 submissions from 9 submitters: Benign (6). 3 of the submissions do not count toward it. Last evaluated 2026-02-04.

Conditions:
Pyruvate dehydrogenase E3-binding protein deficiency (PDHXD). Also called: LACTIC ACIDEMIA DUE TO DEFECT IN LIPOYL-CONTAINING COMPONENT X OF THE PYRUVATE DEHYDROGENASE COMPLEX; E3-Binding Protein (Component X) Deficiency; Lacticacidemia due to PDX1 deficiency; PYRUVATE HYDROGENASE E3-BINDING PROTEIN DEFICIENCY. Identifiers: Orphanet 255182, MedGen C1855553, MONDO:0009503, OMIM 245349.

Allele frequency attached by ClinVar (database versions not stated): 1000 Genomes Project 0.76458; 1000 Genomes Project 30x 0.76468; gnomAD exomes 0.76892 and 0.79244; ExAC 0.77436; TOPMed 0.78199; gnomAD 0.78467 and 0.78720; ESP Exome Variant Server 0.79677.
gnomAD v4.1: 1,276,986 of 1,612,826 alleles (79%); highest among the groups gnomAD compares: East Asian, 82%; 507,082 homozygotes.

Submissions (9):

Labcorp Genetics (formerly Invitae), Labcorp
Classification: Benign. Last evaluated: 2026-02-04. Review status: criteria provided, single submitter. Criteria: Invitae Variant Classification Sherloc (09022015). Collection method: clinical testing. Allele origin: germline.

Blueprint Genetics
Classification: Benign. Last evaluated: 2024-11-27. Review status: criteria provided, single submitter. Criteria: ACMG Guidelines, 2015. Collection method: clinical testing. Allele origin: germline.

Illumina Laboratory Services, Illumina
Classification: Benign for Pyruvate dehydrogenase E3-binding protein deficiency. Last evaluated: 2018-01-12. Review status: criteria provided, single submitter. Criteria: ICSL Variant Classification Criteria 13 December 2019. Collection method: clinical testing. Allele origin: germline.
Comment: This variant was observed in the ICSL laboratory as part of a predisposition screen in an ostensibly healthy population. It had not been previously curated by ICSL or reported in the Human Gene Mutation Database (HGMD: prior to June 1st, 2018), and was therefore a candidate for classification through an automated scoring system. Utilizing variant allele frequency, disease prevalence and penetrance estimates, and inheritance mode, an automated score was calculated to assess if this variant is too frequent to cause the disease. Based on the score and internal cut-off values, a variant classified as benign is not then subjected to further curation. The score for this variant resulted in a classification of benign for this disease.

Eurofins Ntd Llc (ga)
Classification: Benign. Last evaluated: 2016-02-13. Review status: criteria provided, single submitter. Criteria: EGL Classification Definitions 2015. Collection method: clinical testing. Allele origin: germline. Observed: 8 variant alleles, 1 heterozygote, 7 homozygotes.

GeneDx
Classification: Benign. Last evaluated: 2015-03-03. Review status: criteria provided, single submitter. Criteria: GeneDx Variant Classification Process June 2021. Collection method: clinical testing. Allele origin: germline. Affected: yes.

Breakthrough Genomics
Classification: Benign. Review status: criteria provided, single submitter. Criteria: ACMG Guidelines, 2015. Collection method: not provided. Allele origin: germline. Inheritance: Autosomal recessive inheritance. Affected: yes.

Mayo Clinic Laboratories, Mayo Clinic
Classification: Benign. Last evaluated: 2016-02-19. Review status: no assertion criteria provided. Collection method: clinical testing. Allele origin: unknown. Not counted in ClinVar's aggregate classification.

Diagnostic Laboratory, Department of Genetics, University Medical Center Groningen
Classification: Benign. Review status: no assertion criteria provided. Collection method: clinical testing. Allele origin: germline. Affected: yes. Study: VKGL Data-share Consensus. Not counted in ClinVar's aggregate classification.

Joint Genome Diagnostic Labs from Nijmegen and Maastricht, Radboudumc and MUMC+
Classification: Benign. Review status: no assertion criteria provided. Collection method: clinical testing. Allele origin: germline. Affected: yes. Study: VKGL Data-share Consensus. Not counted in ClinVar's aggregate classification.

NM_003477.3(PDHX):c.63C>T (p.Pro21=)

Genes: PDHX (pyruvate dehydrogenase complex component X; plus strand), LOC130005549 (ATAC-STARR-seq lymphoblastoid active region 4608; plus strand). Cytogenetic location: 11p13.
Variant type: single nucleotide variant.
Coding change: c.63C>T on transcript NM_003477.3 (MANE Select); coding-DNA position 63, C replaced by T.
Protein change: p.Pro21=; no amino-acid change (proline 21 retained).
Molecular consequence: synonymous variant. On other transcripts: intron variant (1).
Genome position (GRCh38, 1-based): chr11:34,916,718, C>T. VCF-style: chr11-34916718-C-T. GRCh37 (hg19) VCF-style: chr11-34938265-C-T.
Other names: c.63C>T, p.Pro21= (NM_001166158.2); c.-21+232C>T (NM_001135024.2).
Identifiers: ClinVar variation 286137 (VCV000286137.29), dbSNP rs2956109, ClinGen allele CA5945725.